The following is an entry in ClinVar:

ClinVar aggregate classification (germline): Uncertain significance. Review status: criteria provided, multiple submitters, no conflicts (2 of 4 stars). 2 submissions from 2 submitters: Uncertain significance (2). Last evaluated 2023-12-12.

Conditions:
Inborn genetic diseases. Identifiers: MedGen C0950123, MeSH D030342.

gnomAD v4.1: 1 of 1,614,112 alleles (0.000062%); highest among the groups gnomAD compares: Admixed American, 0.0017%; no homozygotes.

Submissions (2):

Ambry Genetics
Classification: Uncertain significance for Inborn genetic diseases. Last evaluated: 2023-12-12. Review status: criteria provided, single submitter. Criteria: Ambry Variant Classification Scheme 2023. Collection method: clinical testing. Allele origin: germline.

Labcorp Genetics (formerly Invitae), Labcorp
Classification: Uncertain significance. Last evaluated: 2023-08-17. Review status: criteria provided, single submitter. Criteria: Invitae Variant Classification Sherloc (09022015). Collection method: clinical testing. Allele origin: germline.
Comment: In summary, the available evidence is currently insufficient to determine the role of this variant in disease. Therefore, it has been classified as a Variant of Uncertain Significance. An algorithm developed to predict the effect of missense changes on protein structure and function (PolyPhen-2) suggests that this variant¬†is likely to be tolerated. ClinVar contains an entry for this variant (Variation ID: 1963312). This variant has not been reported in the literature in individuals affected with ADAMTS17-related conditions. This variant is not present in population databases (gnomAD no frequency). This sequence change replaces alanine with glutamic acid at codon 947 of the ADAMTS17 protein (p.Ala947Glu). The alanine residue is weakly conserved and there is a moderate physicochemical difference between alanine and glutamic acid.

NM_139057.4(ADAMTS17):c.2840C>A (p.Ala947Glu)

Gene: ADAMTS17 (ADAM metallopeptidase with thrombospondin type 1 motif 17; minus strand). Cytogenetic location: 15q26.3.
Variant type: single nucleotide variant.
Coding change: c.2840C>A on transcript NM_139057.4 (MANE Select); coding-DNA position 2840, C replaced by A.
Protein change: p.Ala947Glu; replaces alanine 947 with glutamic acid.
Molecular consequence: missense variant.
Genome position (GRCh38, 1-based): chr15:99,993,157, G>T on the plus strand (C>A on the coding strand, the complement: ADAMTS17 is on the minus strand). VCF-style: chr15-99993157-G-T. GRCh37 (hg19) VCF-style: chr15-100533362-G-T.
Other names: c.2840C>A (NM_139057.2); short protein forms A947E.
Identifiers: ClinVar variation 1963312 (VCV001963312.5), dbSNP rs374781820, ClinGen allele CA393693542.